The following is an entry in ClinVar:

NM_000136.3(FANCC):c.1625G>A (p.Arg542Lys)

Genes: AOPEP (aminopeptidase O (putative); plus strand), FANCC (FA complementation group C; minus strand). Cytogenetic location: 9q22.32.
Variant type: single nucleotide variant.
Coding change: c.1625G>A on transcript NM_000136.3 (MANE Select); coding-DNA position 1625, G replaced by A.
Protein change: p.Arg542Lys; replaces arginine 542 with lysine.
Molecular consequence: missense variant.
Genome position (GRCh38, 1-based): chr9:95,101,759, C>T on the plus strand (G>A on the coding strand, the complement: FANCC is on the minus strand). VCF-style: chr9-95101759-C-T. GRCh37 (hg19) VCF-style: chr9-97864041-C-T.
Other names: c.1625G>A (NM_000136.2); c.1625G>A, p.Arg542Lys (NM_001243743.2); short protein forms R542K.
Identifiers: ClinVar variation 802491 (VCV000802491.2), dbSNP rs1588008066, ClinGen allele CA374104397.

ClinVar aggregate classification (germline): Uncertain significance. Review status: criteria provided, multiple submitters, no conflicts (2 of 4 stars). 2 submissions from 2 submitters: Uncertain significance (2). Last evaluated 2025-02-15.

Conditions:
Fanconi anemia complementation group A (FANCA). Also called: FANCA-Related Fanconi Anemia; Fanconi anemia, group A. Identifiers: Orphanet 84, MedGen C3469521, MONDO:0009215, OMIM 227650.
Hereditary cancer-predisposing syndrome. Also called: Tumor predisposition; Neoplastic Syndromes, Hereditary; Hereditary Cancer Syndrome; Hereditary neoplastic syndrome. Identifiers: Orphanet 140162, MedGen C0027672, MeSH D009386, MONDO:0015356.

Submissions (2):

Ambry Genetics
Classification: Uncertain significance for Hereditary cancer-predisposing syndrome. Last evaluated: 2025-02-15. Review status: criteria provided, single submitter. Criteria: Ambry Variant Classification Scheme 2023. Collection method: clinical testing. Allele origin: germline.
Comment: The p.R542K variant (also known as c.1625G>A), located in coding exon 14 of the FANCC gene, results from a G to A substitution at nucleotide position 1625. The arginine at codon 542 is replaced by lysine, an amino acid with highly similar properties. This amino acid position is conserved. In addition, this alteration is predicted to be tolerated by in silico analysis. Based on the available evidence, the clinical significance of this variant remains unclear.

Mendelics
Classification: Uncertain significance for Fanconi anemia complementation group A. Last evaluated: 2019-05-28. Review status: criteria provided, single submitter. Criteria: Mendelics Assertion Criteria 2017. Collection method: clinical testing. Allele origin: unknown.